The following is an entry in ClinVar:

NM_000069.3(CACNA1S):c.2704C>T (p.Leu902Phe)

Gene: CACNA1S (calcium voltage-gated channel subunit alpha1 S; minus strand). Cytogenetic location: 1q32.1.
Variant type: single nucleotide variant.
Coding change: c.2704C>T on transcript NM_000069.3 (MANE Select); coding-DNA position 2704, C replaced by T.
Protein change: p.Leu902Phe; replaces leucine 902 with phenylalanine.
Molecular consequence: missense variant.
Genome position (GRCh38, 1-based): chr1:201,066,270, G>A on the plus strand (C>T on the coding strand, the complement: CACNA1S is on the minus strand). VCF-style: chr1-201066270-G-A. GRCh37 (hg19) VCF-style: chr1-201035398-G-A.
Other names: short protein forms L902F.
Identifiers: ClinVar variation 4793994 (VCV004793994.1).

ClinVar aggregate classification (germline): Uncertain significance (1 of 4 stars; one submission).

Conditions:
Hypokalemic periodic paralysis, type 1. Also called: HypoPP; Hypokalemic Periodic Paralysis Type 1 (AD). Identifiers: Orphanet 681, MedGen C3714580, MONDO:0042979, OMIM 170400.
Malignant hyperthermia, susceptibility to, 5 (MHS5). Also called: CACNA1S-Related Malignant Hyperthermia Susceptibility. Identifiers: Orphanet 423, MedGen C1866077, MONDO:0011163, OMIM 601887.

gnomAD v4.1: 1 of 1,613,170 alleles (0.000062%); highest among the groups gnomAD compares: Admixed American, 0.0017%; no homozygotes.

Submission:

Labcorp Genetics (formerly Invitae), Labcorp
Classification: Uncertain significance for Hypokalemic periodic paralysis, type 1; Malignant hyperthermia, susceptibility to, 5. Last evaluated: 2026-01-09. Review status: criteria provided, single submitter. Criteria: Invitae Variant Classification Sherloc (09022015). Collection method: clinical testing. Allele origin: germline.
Comment: This sequence change replaces leucine, which is neutral and non-polar, with phenylalanine, which is neutral and non-polar, at codon 902 of the CACNA1S protein (p.Leu902Phe). This variant is present in population databases (no rsID available, gnomAD 0.003%). This variant has not been reported in the literature in individuals affected with CACNA1S-related conditions. Invitae Evidence Modeling of protein sequence and biophysical properties (such as structural, functional, and spatial information, amino acid conservation, physicochemical variation, residue mobility, and thermodynamic stability) has been performed for this missense variant. However, the output from this modeling did not meet the statistical confidence thresholds required to predict the impact of this variant on CACNA1S protein function. In summary, the available evidence is currently insufficient to determine the role of this variant in disease. Therefore, it has been classified as a Variant of Uncertain Significance.